The following is an entry in ClinVar:

ClinVar aggregate classification (germline): Uncertain significance (1 of 4 stars; one submission).

Conditions:
LRRC45-related disorder. Also called: LRRC45-related condition.

Submission:

PreventionGenetics, part of Exact Sciences
Classification: Uncertain significance for LRRC45-related condition. Last evaluated: 2025-03-19. Review status: criteria provided, single submitter. Criteria: ACMG Guidelines, 2015. Collection method: clinical testing. Allele origin: germline.
Comment: The LRRC45 c.1126-30_1126-6del25 variant is predicted to result in an intronic deletion. This variant is predicted to weaken the splice acceptor site (SpliceAI, Jaganathan et al. 2019. PubMed ID: 30661751). To our knowledge, this variant has not been reported in the literature. This variant is reported in 0.00092% of alleles in individuals of European (Non-Finnish) descent in gnomAD. At this time, the clinical significance of this variant is uncertain due to the absence of conclusive functional and genetic evidence.

NM_144999.4(LRRC45):c.1126-30_1126-6del

Gene: LRRC45 (leucine rich repeat containing 45; plus strand). Cytogenetic location: 17q25.3.
Variant type: Deletion.
Coding change: c.1126-30_1126-6del on transcript NM_144999.4 (MANE Select); 30 bases into the intron before coding-DNA position 1126 through 6 bases into the intron before coding-DNA position 1126, 25 bases deleted (GCAGCTTCCCTCCCTGGTGCCGGCT).
Molecular consequence: intron variant.
Genome position (GRCh38, 1-based): chr17:82,028,367-82,028,391, GCAGCTTCCCTCCCTGGTGCCGGCT deleted; deleting any 25 consecutive bases within chr17:82,028,363-82,028,391 gives the same sequence; the c. name uses the placement nearest the transcript's 3' end. VCF-style (leftmost placement, unchanged base first): chr17-82028362-GGGCTGCAGCTTCCCTCCCTGGTGCC-G. GRCh37 (hg19) VCF-style: chr17-79986238-GGGCTGCAGCTTCCCTCCCTGGTGCC-G.
Identifiers: ClinVar variation 4985371 (VCV004985371.1).